The following is an entry in ClinVar:

ClinVar aggregate classification (germline): Uncertain significance (0 of 4 stars; one submission).

Conditions:
Hypotonia, infantile, with psychomotor retardation and characteristic facies 1 (INNFD). Identifiers: Orphanet 371364, Orphanet 700336, MedGen C3809454, MONDO:0024567, OMIM 615419.

Submission:

Hong-Tao Li Lab, Institute of Brain Science and Brain-inspired Research, Shandong First Medical University & Shandong Academy of Medical Sciences China
Classification: Uncertain significance for Hypotonia, infantile, with psychomotor retardation and characteristic facies 1. Review status: no assertion criteria provided. Collection method: research. Allele origin: germline. Inheritance: Autosomal recessive inheritance. Affected: yes. Observed: 1 variant allele, 1 homozygote.
Comment: Observed in affected individuals from a Pakistani neurodevelopmental-disorder research cohort of 263 individuals. Classification assigned using the ACMG/AMP framework.

NM_052867.4(NALCN):c.4891A>G (p.Ser1631Gly)

Gene: NALCN (sodium leak channel, non-selective; minus strand). Cytogenetic location: 13q32.3.
Variant type: single nucleotide variant.
Coding change: c.4891A>G on transcript NM_052867.4 (MANE Select); coding-DNA position 4891, A replaced by G.
Protein change: p.Ser1631Gly; replaces serine 1631 with glycine.
Molecular consequence: missense variant.
Genome position (GRCh38, 1-based): chr13:101,059,832, T>C on the plus strand (A>G on the coding strand, the complement: NALCN is on the minus strand). VCF-style: chr13-101059832-T-C. GRCh37 (hg19) VCF-style: chr13-101712184-T-C.
Other names: c.4978A>G, p.Ser1660Gly (NM_001350748.2); c.4891A>G, p.Ser1631Gly (NM_001350749.2); c.4804A>G, p.Ser1602Gly (NM_001350750.2, NM_001350751.2); short protein forms S1602G, S1631G, S1660G.
Identifiers: ClinVar variation 4884837 (VCV004884837.1).